The following is an entry in ClinVar:

NM_052947.4(ALPK2):c.3560C>T (p.Ser1187Leu)

Gene: ALPK2 (alpha kinase 2; minus strand). Cytogenetic location: 18q21.31.
Variant type: single nucleotide variant.
Coding change: c.3560C>T on transcript NM_052947.4 (MANE Select); coding-DNA position 3560, C replaced by T.
Protein change: p.Ser1187Leu; replaces serine 1187 with leucine.
Molecular consequence: missense variant.
Genome position (GRCh38, 1-based): chr18:58,536,627, G>A on the plus strand (C>T on the coding strand, the complement: ALPK2 is on the minus strand). VCF-style: chr18-58536627-G-A. GRCh37 (hg19) VCF-style: chr18-56203859-G-A.
Other names: short protein forms S1187L.
Identifiers: ClinVar variation 1732703 (VCV001732703.2), dbSNP rs2051649926, ClinGen allele CA402566462.

ClinVar aggregate classification (germline): Uncertain significance (1 of 4 stars; one submission).

Allele frequency attached by ClinVar (database versions not stated): gnomAD exomes below 0.00001.
gnomAD v4.1: 1 of 1,614,122 alleles (0.000062%); highest among the groups gnomAD compares: Non-Finnish European, 0.000085%; no homozygotes.

Submission:

Ambry Genetics
Classification: Uncertain significance. Last evaluated: 2022-09-20. Review status: criteria provided, single submitter. Criteria: Ambry Variant Classification Scheme 2023. Collection method: clinical testing. Allele origin: germline.
Comment: The p.S1187L variant (also known as c.3560C>T), located in coding exon 4 of the ALPK2 gene, results from a C to T substitution at nucleotide position 3560. The serine at codon 1187 is replaced by leucine, an amino acid with dissimilar properties. This amino acid position is conserved. In addition, this alteration is predicted to be tolerated by in silico analysis. Since supporting evidence is limited at this time, the clinical significance of this alteration remains unclear.